The following is an entry in ClinVar:

ClinVar aggregate classification (germline): Uncertain significance. Review status: criteria provided, multiple submitters, no conflicts (2 of 4 stars). 5 submissions from 5 submitters: Uncertain significance (5). Last evaluated 2026-08-11.

Conditions:
BBS9-related disorder. Also called: BBS9-related condition.
Bardet-Biedl syndrome (BBS). Identifiers: Orphanet 110, MedGen C0752166, MONDO:0015229.
BBS9-related ciliopathy. Identifiers: MedGen CN375911, MONDO:0700236.
Bardet-Biedl syndrome 9 (BBS9). Identifiers: Orphanet 110, MedGen C1859567, MONDO:0014437, OMIM 615986.

Allele frequency attached by ClinVar (database versions not stated): gnomAD 0.00001; gnomAD exomes 0.00001 and 0.00005; TOPMed 0.00001.
gnomAD v4.1: 75 of 1,613,204 alleles (0.0046%); highest among the groups gnomAD compares: Middle Eastern, 0.082%; no homozygotes.

Submissions (5):

PreventionGenetics, part of Exact Sciences
Classification: Uncertain significance for BBS9-related condition. Last evaluated: 2026-08-11. Review status: criteria provided, single submitter. Criteria: ACMG Guidelines, 2015. Collection method: clinical testing. Allele origin: germline.
Comment: The BBS9 c.1111G>A variant is predicted to result in the amino acid substitution p.Val371Ile. This variant has been reported in two unaffected siblings of an individual with Bardet-Biedl syndrome but was notably absent in the affected individual (Abu-Safieh et al. 2012. PubMed ID: 22353939). This variant is reported in 0.0023% of alleles in individuals of European (Non-Finnish) descent in gnomAD. At this time, the clinical significance of this variant is uncertain due to the absence of conclusive functional and genetic evidence.

Labcorp Genetics (formerly Invitae), Labcorp
Classification: Uncertain significance for Bardet-Biedl syndrome. Last evaluated: 2022-07-19. Review status: criteria provided, single submitter. Criteria: Invitae Variant Classification Sherloc (09022015). Collection method: clinical testing. Allele origin: germline.
Comment: This sequence change replaces valine, which is neutral and non-polar, with isoleucine, which is neutral and non-polar, at codon 371 of the BBS9 protein (p.Val371Ile). This variant is present in population databases (no rsID available, gnomAD 0.002%). This variant has not been reported in the literature in individuals affected with BBS9-related conditions. ClinVar contains an entry for this variant (Variation ID: 1490103). Algorithms developed to predict the effect of missense changes on protein structure and function (SIFT, PolyPhen-2, Align-GVGD) all suggest that this variant is likely to be disruptive. In summary, the available evidence is currently insufficient to determine the role of this variant in disease. Therefore, it has been classified as a Variant of Uncertain Significance.

Fulgent Genetics
Classification: Uncertain significance for Bardet-Biedl syndrome 9. Last evaluated: 2022-04-30. Review status: criteria provided, single submitter. Criteria: ACMG Guidelines, 2015. Collection method: clinical testing. Allele origin: unknown.

Blueprint Genetics
Classification: Uncertain significance. Last evaluated: 2022-01-03. Review status: criteria provided, single submitter. Criteria: ACMG Guidelines, 2015. Collection method: clinical testing. Allele origin: germline.

Department of Pathology and Laboratory Medicine, Sinai Health System
Classification: Uncertain significance for BBS9-related ciliopathy. Last evaluated: 2021-12-08. Review status: criteria provided, single submitter. Criteria: ACMG Guidelines, 2015. Collection method: research. Allele origin: germline.

NM_198428.3(BBS9):c.1111G>A (p.Val371Ile)

Gene: BBS9 (Bardet-Biedl syndrome 9; plus strand). Cytogenetic location: 7p14.3.
Variant type: single nucleotide variant.
Coding change: c.1111G>A on transcript NM_198428.3 (MANE Select); coding-DNA position 1111, G replaced by A.
Protein change: p.Val371Ile; replaces valine 371 with isoleucine.
Molecular consequence: missense variant. On other transcripts: non-coding transcript variant (3).
Genome position (GRCh38, 1-based): chr7:33,336,535, G>A. VCF-style: chr7-33336535-G-A. GRCh37 (hg19) VCF-style: chr7-33376147-G-A.
Other names: c.1111G>A (NM_198428.2); c.1111G>A, p.Val371Ile (NM_001033604.2, NM_001033605.2, NM_001348036.1 and 5 more transcripts); c.745G>A, p.Val249Ile (NM_001348037.3, NM_001348044.3, NM_001348045.3 and 1 more transcripts); c.838G>A, p.Val280Ile (NM_001348038.3, NM_001348039.3); c.976G>A, p.Val326Ile (NM_001348042.3); short protein forms V371I, V326I, V249I, V280I.
Identifiers: ClinVar variation 1490103 (VCV001490103.9), dbSNP rs1366355966, ClinGen allele CA367254479.